The following is an entry in ClinVar:

ClinVar aggregate classification (germline): Pathogenic (1 of 4 stars; one submission).

Conditions:
RYR1-related disorder. Also called: RYR1-related condition; RYR1-related disorders. Identifiers: MedGen CN239331.

gnomAD v4.1: 1 of 1,613,306 alleles (0.000062%); highest among the groups gnomAD compares: Non-Finnish European, 0.000085%; no homozygotes.

Submission:

Labcorp Genetics (formerly Invitae), Labcorp
Classification: Pathogenic for RYR1-related disorder. Last evaluated: 2023-02-04. Review status: criteria provided, single submitter. Criteria: Invitae Variant Classification Sherloc (09022015). Collection method: clinical testing. Allele origin: germline.
Comment: This sequence change creates a premature translational stop signal (p.Glu1720*) in the RYR1 gene. It is expected to result in an absent or disrupted protein product. Loss-of-function variants in RYR1 are known to be pathogenic (PMID: 20583297, 20839240, 23919265, 28818389). This variant is not present in population databases (gnomAD no frequency). This variant has not been reported in the literature in individuals affected with RYR1-related conditions. For these reasons, this variant has been classified as Pathogenic.

Literature cited by the submitters: PubMed 20583297; PubMed 20839240; PubMed 23919265; PubMed 28818389.

NM_000540.3(RYR1):c.5158G>T (p.Glu1720Ter)

Gene: RYR1 (ryanodine receptor 1; plus strand). Cytogenetic location: 19q13.2.
Variant type: single nucleotide variant.
Coding change: c.5158G>T on transcript NM_000540.3 (MANE Select); coding-DNA position 5158, G replaced by T.
Protein change: p.Glu1720Ter; replaces glutamic acid 1720 with a stop codon.
Molecular consequence: nonsense.
Genome position (GRCh38, 1-based): chr19:38,485,813, G>T. VCF-style: chr19-38485813-G-T. GRCh37 (hg19) VCF-style: chr19-38976453-G-T.
Other names: c.5158G>T, p.Glu1720Ter (NM_001042723.2); short protein forms E1720*.
Identifiers: ClinVar variation 3006867 (VCV003006867.3), dbSNP rs746317037, ClinGen allele CA405654010.